The following is an entry in ClinVar:

ClinVar aggregate classification (germline): Uncertain significance (1 of 4 stars; one submission).

Conditions:
Cardiovascular phenotype. Identifiers: MedGen CN230736.

Submission:

Ambry Genetics
Classification: Uncertain significance for Cardiovascular phenotype. Last evaluated: 2025-09-28. Review status: criteria provided, single submitter. Criteria: Ambry Variant Classification Scheme 2023. Collection method: clinical testing. Allele origin: germline.
Comment: The p.Q339P variant (also known as c.1016A>C), located in coding exon 12 of the MYBPC3 gene, results from an A to C substitution at nucleotide position 1016. The glutamine at codon 339 is replaced by proline, an amino acid with similar properties. This amino acid position is conserved. In addition, this alteration is predicted to be deleterious by in silico analysis. Based on the available evidence, the clinical significance of this variant remains unclear.

NM_000256.3(MYBPC3):c.1016A>C (p.Gln339Pro)

Gene: MYBPC3 (myosin binding protein C3; minus strand). Cytogenetic location: 11p11.2.
Variant type: single nucleotide variant.
Coding change: c.1016A>C on transcript NM_000256.3 (MANE Select); coding-DNA position 1016, A replaced by C.
Protein change: p.Gln339Pro; replaces glutamine 339 with proline.
Molecular consequence: missense variant.
Genome position (GRCh38, 1-based): chr11:47,346,281, T>G on the plus strand (A>C on the coding strand, the complement: MYBPC3 is on the minus strand). VCF-style: chr11-47346281-T-G. GRCh37 (hg19) VCF-style: chr11-47367832-T-G.
Other names: short protein forms Q339P.
Identifiers: ClinVar variation 4614579 (VCV004614579.1).